The following is an entry in ClinVar:

NM_001377265.1(MAPT):c.1971C>T (p.Asn657=)

Gene: MAPT (microtubule associated protein tau). Cytogenetic location: 17q21.31.
Variant type: single nucleotide variant.
Coding change: c.1971C>T on transcript NM_001377265.1 (MANE Select); coding-DNA position 1971, C replaced by T.
Protein change: p.Asn657=; no amino-acid change (asparagine 657 retained).
Molecular consequence: synonymous variant. On other transcripts: non-coding transcript variant (1).
Genome position (GRCh38, 1-based): chr17:45,996,637, C>T. VCF-style: chr17-45996637-C-T. GRCh37 (hg19) VCF-style: chr17-44074003-C-T.
Other names: c.1800C>T, p.Asn600= (NM_001123066.4); c.708C>T, p.Asn236= (NM_001123067.4, NM_001203251.2, NM_001377267.1); c.795C>T, p.Asn265= (NM_001203252.2, NM_005910.6); c.1773C>T, p.Asn591= (NM_001377266.1); c.621C>T, p.Asn207= (NM_001377268.1, NM_016834.5, NM_016841.5); c.1746C>T, p.Asn582= (NM_016835.5).
Identifiers: ClinVar variation 3040091 (VCV003040091.3), dbSNP rs754981824, ClinGen allele CA8618063.

ClinVar aggregate classification (germline): Likely benign. Review status: criteria provided, single submitter (1 of 4 stars). 2 submissions from 2 submitters: Likely benign (1). 1 of the submissions does not count toward it. Last evaluated 2025-02-19.

Conditions:
MAPT-related disorder. Also called: MAPT-related condition; MAPT-Related Disorders.
Frontotemporal dementia (FTD1). Also called: Frontotemporal lobe dementia (FLDEM); Frontotemporal Dementia with Parkinsonism-17 (FTDP-17); FRONTOTEMPORAL DEMENTIA WITH PARKINSONISM; FRONTOTEMPORAL LOBE DEMENTIA; FRONTOTEMPORAL LOBAR DEGENERATION WITH TAU INCLUSIONS; FTLD WITH TAU INCLUSIONS. Identifiers: Orphanet 282, MedGen C0338451, MONDO:0017276, OMIM 600274, HP:0002145.

Allele frequency attached by ClinVar (database versions not stated): ExAC 0.00001; gnomAD 0.00001.
gnomAD v4.1: 5 of 1,613,804 alleles (0.00031%); highest among the groups gnomAD compares: Admixed American, 0.0017%; no homozygotes.

Submissions (2):

Labcorp Genetics (formerly Invitae), Labcorp
Classification: Likely benign for Frontotemporal dementia. Last evaluated: 2025-02-19. Review status: criteria provided, single submitter. Criteria: Invitae Variant Classification Sherloc (09022015). Collection method: clinical testing. Allele origin: germline.

PreventionGenetics, part of Exact Sciences
Classification: Likely benign for MAPT-related condition. Last evaluated: 2019-09-18. Review status: no assertion criteria provided. Collection method: clinical testing. Allele origin: germline. Not counted in ClinVar's aggregate classification.
Comment: This variant is classified as likely benign based on ACMG/AMP sequence variant interpretation guidelines (Richards et al. 2015 PMID: 25741868, with internal and published modifications).